The following is an entry in ClinVar:

ClinVar aggregate classification (germline): Uncertain significance. Review status: criteria provided, multiple submitters, no conflicts (2 of 4 stars). 4 submissions from 4 submitters: Uncertain significance (4). Last evaluated 2024-06-27.

Conditions:
Familial adenomatous polyposis 1 (FAP1). Also called: FAMILIAL ADENOMATOUS POLYPOSIS 1, ATTENUATED; POLYPOSIS, ADENOMATOUS INTESTINAL. Identifiers: MedGen C2713442, MONDO:0021056, OMIM 175100. Disease mechanism: loss of function.
Hereditary cancer-predisposing syndrome. Also called: Neoplastic Syndromes, Hereditary; Tumor predisposition; Hereditary Cancer Syndrome; Hereditary neoplastic syndrome. Identifiers: Orphanet 140162, MedGen C0027672, MeSH D009386, MONDO:0015356.

Submissions (4):

Ambry Genetics
Classification: Uncertain significance for Hereditary cancer-predisposing syndrome. Last evaluated: 2024-06-27. Review status: criteria provided, single submitter. Criteria: Ambry Variant Classification Scheme 2023. Collection method: clinical testing. Allele origin: germline.
Comment: The p.E658Q variant (also known as c.1972G>C), located in coding exon 15 of the APC gene, results from a G to C substitution at nucleotide position 1972. The glutamic acid at codon 658 is replaced by glutamine, an amino acid with highly similar properties. This amino acid position is well conserved in available vertebrate species. In addition, in silico predictors for this gene do not accurately predict pathogenicity. Since supporting evidence is limited at this time, the clinical significance of this alteration remains unclear.

Labcorp Genetics (formerly Invitae), Labcorp
Classification: Uncertain significance for Familial adenomatous polyposis 1. Last evaluated: 2023-09-30. Review status: criteria provided, single submitter. Criteria: Invitae Variant Classification Sherloc (09022015). Collection method: clinical testing. Allele origin: germline.
Comment: This variant is not present in population databases (gnomAD no frequency). This sequence change replaces glutamic acid, which is acidic and polar, with glutamine, which is neutral and polar, at codon 658 of the APC protein (p.Glu658Gln). This variant has not been reported in the literature in individuals affected with APC-related conditions. In summary, the available evidence is currently insufficient to determine the role of this variant in disease. Therefore, it has been classified as a Variant of Uncertain Significance. Advanced modeling of protein sequence and biophysical properties (such as structural, functional, and spatial information, amino acid conservation, physicochemical variation, residue mobility, and thermodynamic stability) performed at Invitae indicates that this missense variant is not expected to disrupt APC protein function. ClinVar contains an entry for this variant (Variation ID: 233632).

Baylor Genetics
Classification: Uncertain significance for Familial adenomatous polyposis 1. Last evaluated: 2023-08-14. Review status: criteria provided, single submitter. Criteria: ACMG Guidelines, 2015. Collection method: clinical testing. Allele origin: unknown.

Color Diagnostics, LLC DBA Color Health
Classification: Uncertain significance for Hereditary cancer-predisposing syndrome. Last evaluated: 2021-08-04. Review status: criteria provided, single submitter. Criteria: ACMG Guidelines, 2015. Collection method: clinical testing. Allele origin: germline.
Comment: This missense variant replaces glutamic acid with glutamine at codon 658 of the APC protein. Computational prediction suggests that this variant may not impact protein structure and function (internally defined REVEL score threshold <= 0.5, PMID: 27666373). To our knowledge, functional studies have not been reported for this variant. This variant has not been reported in individuals affected with hereditary cancer in the literature. This variant has not been identified in the general population by the Genome Aggregation Database (gnomAD). The available evidence is insufficient to determine the role of this variant in disease conclusively. Therefore, this variant is classified as a Variant of Uncertain Significance.

NM_000038.6(APC):c.1972G>C (p.Glu658Gln)

Gene: APC (APC regulator of Wnt signaling pathway; plus strand). Cytogenetic location: 5q22.2.
Variant type: single nucleotide variant.
Coding change: c.1972G>C on transcript NM_000038.6 (MANE Select); coding-DNA position 1972, G replaced by C.
Protein change: p.Glu658Gln; replaces glutamic acid 658 with glutamine.
Molecular consequence: missense variant.
Genome position (GRCh38, 1-based): chr5:112,837,566, G>C. VCF-style: chr5-112837566-G-C. GRCh37 (hg19) VCF-style: chr5-112173263-G-C.
Other names: c.1972G>C, p.Glu658Gln (NM_001127510.3, NM_001354895.2); c.1918G>C, p.Glu640Gln (NM_001127511.3); c.2026G>C, p.Glu676Gln (NM_001354896.2); c.2002G>C, p.Glu668Gln (NM_001354897.2); c.1897G>C, p.Glu633Gln (NM_001354898.2); c.1888G>C, p.Glu630Gln (NM_001354899.2); c.1849G>C, p.Glu617Gln (NM_001354900.2); c.1795G>C, p.Glu599Gln (NM_001354901.2); and 5 more; short protein forms E640Q, E658Q, E599Q, E633Q, E668Q, E567Q, E617Q, E630Q.
Identifiers: ClinVar variation 233632 (VCV000233632.18), dbSNP rs758972184, ClinGen allele CA10578332.